The following is an entry in ClinVar:

NC_000012.11:g.(?_58156925)_(58157058_?)dup

Gene: CYP27B1 (cytochrome P450 family 27 subfamily B member 1; minus strand). Cytogenetic location: 12q14.1.
Variant type: Duplication.
Identifiers: ClinVar variation 2423392 (VCV002423392.3).

ClinVar aggregate classification (germline): Uncertain significance (1 of 4 stars; one submission).

Submission:

Labcorp Genetics (formerly Invitae), Labcorp
Classification: Uncertain significance. Last evaluated: 2022-08-22. Review status: criteria provided, single submitter. Criteria: Invitae Variant Classification Sherloc (09022015). Collection method: clinical testing. Allele origin: germline.
Comment: This variant results in a copy number gain of the genomic region encompassing exon(s) 9 of the CYP27B1 gene. This region includes the termination codon of the gene. This copy number gain extends beyond the assayed region for this gene and therefore may encompass additional genes. As the precise location of this event is unknown, it may be in tandem or it may be located elsewhere in the genome. This variant has not been reported in the literature in individuals affected with CYP27B1-related conditions. Experimental studies and prediction algorithms are not available or were not evaluated, and the functional significance of this variant is currently unknown. In summary, the available evidence is currently insufficient to determine the role of this variant in disease. Therefore, it has been classified as a Variant of Uncertain Significance.